The following is an entry in ClinVar:

ClinVar aggregate classification (germline): Uncertain significance (1 of 4 stars; one submission).

Allele frequency attached by ClinVar (database versions not stated): gnomAD exomes below 0.00001; ExAC 0.00001.

Submission:

Labcorp Genetics (formerly Invitae), Labcorp
Classification: Uncertain significance. Last evaluated: 2021-11-15. Review status: criteria provided, single submitter. Criteria: Invitae Variant Classification Sherloc (09022015). Collection method: clinical testing. Allele origin: germline.
Comment: This sequence change replaces methionine, which is neutral and non-polar, with arginine, which is basic and polar, at codon 1023 of the POLR3A protein (p.Met1023Arg). This variant is present in population databases (rs759414343, gnomAD 0.0009%). This variant has not been reported in the literature in individuals affected with POLR3A-related conditions. Algorithms developed to predict the effect of missense changes on protein structure and function (SIFT, PolyPhen-2, Align-GVGD) all suggest that this variant is likely to be tolerated. In summary, the available evidence is currently insufficient to determine the role of this variant in disease. Therefore, it has been classified as a Variant of Uncertain Significance.

NM_007055.4(POLR3A):c.3068T>G (p.Met1023Arg)

Gene: POLR3A (RNA polymerase III subunit A; minus strand). Cytogenetic location: 10q22.3.
Variant type: single nucleotide variant.
Coding change: c.3068T>G on transcript NM_007055.4 (MANE Select); coding-DNA position 3068, T replaced by G.
Protein change: p.Met1023Arg; replaces methionine 1023 with arginine.
Molecular consequence: missense variant.
Genome position (GRCh38, 1-based): chr10:77,985,906, A>C on the plus strand (T>G on the coding strand, the complement: POLR3A is on the minus strand). VCF-style: chr10-77985906-A-C. GRCh37 (hg19) VCF-style: chr10-79745664-A-C.
Other names: short protein forms M1023R.
Identifiers: ClinVar variation 1425715 (VCV001425715.3), dbSNP rs759414343, ClinGen allele CA5570943.
Genomic context (GRCh38, chr10:77,985,906, plus strand): 5'-AAGGGATACGTGAGACCTATGTGGATGACCGTCAGTCCAAGACAAAAGCATCCCTACCTC[A>C]TGTACTTGTCCCTACAGGTCTCCAGAAACTTTTCTACTTGGGTGGGGGTGATGCGGTCCA-3'
Protein context (NP_008986.2, residues 1013-1033): KFLETCRDKY[Met1023Arg]RAQMEPGSAV